The following is an entry in ClinVar:

ClinVar aggregate classification (germline): Likely benign. Review status: criteria provided, single submitter (1 of 4 stars). 2 submissions from 2 submitters: Likely benign (1). 1 of the submissions does not count toward it. Last evaluated 2025-06-17.

Conditions:
NUP93-related disorder. Also called: NUP93-related condition.

Allele frequency attached by ClinVar (database versions not stated): TOPMed 0.00002; gnomAD exomes 0.00003; gnomAD 0.00005; ExAC 0.00006; ESP Exome Variant Server 0.00008.
gnomAD v4.1: 53 of 1,612,626 alleles (0.0033%); highest among the groups gnomAD compares: South Asian, 0.038%; no homozygotes.

Submissions (2):

Labcorp Genetics (formerly Invitae), Labcorp
Classification: Likely benign. Last evaluated: 2025-06-17. Review status: criteria provided, single submitter. Criteria: Invitae Variant Classification Sherloc (09022015). Collection method: clinical testing. Allele origin: germline.

PreventionGenetics, part of Exact Sciences
Classification: Likely benign for NUP93-related condition. Last evaluated: 2019-04-25. Review status: no assertion criteria provided. Collection method: clinical testing. Allele origin: germline. Not counted in ClinVar's aggregate classification.
Comment: This variant is classified as likely benign based on ACMG/AMP sequence variant interpretation guidelines (Richards et al. 2015 PMID: 25741868, with internal and published modifications).

NM_014669.5(NUP93):c.633C>T (p.Ser211=)

Gene: NUP93 (nucleoporin 93; plus strand). Cytogenetic location: 16q13.
Variant type: single nucleotide variant.
Coding change: c.633C>T on transcript NM_014669.5 (MANE Select); coding-DNA position 633, C replaced by T.
Protein change: p.Ser211=; no amino-acid change (serine 211 retained).
Molecular consequence: synonymous variant.
Genome position (GRCh38, 1-based): chr16:56,821,572, C>T. VCF-style: chr16-56821572-C-T. GRCh37 (hg19) VCF-style: chr16-56855484-C-T.
Other names: c.264C>T, p.Ser88= (NM_001242795.2, NM_001242796.2).
Identifiers: ClinVar variation 3058579 (VCV003058579.3), dbSNP rs137927975, ClinGen allele CA8068153.
Genomic context (GRCh38, chr16:56,821,572, plus strand): 5'-CTATAATGAGAAAATTGTAAATGGACACCTGCAGCCTAACCTGGTGGACCTTTGTGCTTC[C>T]GTCGCAGAGCTCGATGATAAGGTAGCACCTAGAGCTAACTCAAGTAGAAACCGGGGTCCA-3'
Protein context (NP_055484.3, residues 201-221): LQPNLVDLCA[Ser211=]VAELDDKSIS